The following is an entry in ClinVar:

ClinVar aggregate classification (germline): Uncertain significance (1 of 4 stars; one submission).

Submission:

Labcorp Genetics (formerly Invitae), Labcorp
Classification: Uncertain significance. Last evaluated: 2024-01-29. Review status: criteria provided, single submitter. Criteria: Invitae Variant Classification Sherloc (09022015). Collection method: clinical testing. Allele origin: germline.
Comment: This sequence change affects an acceptor splice site in intron 43 of the SNRNP200 gene. It is expected to disrupt RNA splicing. Variants that disrupt the donor or acceptor splice site typically lead to a loss of protein function (PMID: 16199547), however the current clinical and genetic evidence is not sufficient to establish whether loss-of-function variants in SNRNP200 cause disease. This variant is not present in population databases (gnomAD no frequency). This variant has not been reported in the literature in individuals affected with SNRNP200-related conditions. Algorithms developed to predict the effect of sequence changes on RNA splicing suggest that this variant may disrupt the consensus splice site. In summary, the available evidence is currently insufficient to determine the role of this variant in disease. Therefore, it has been classified as a Variant of Uncertain Significance.

Literature cited by the submitters: PubMed 16199547.

NM_014014.5(SNRNP200):c.6175-2A>G

Gene: SNRNP200 (small nuclear ribonucleoprotein U5 subunit 200; minus strand). Cytogenetic location: 2q11.2.
Variant type: single nucleotide variant.
Coding change: c.6175-2A>G on transcript NM_014014.5 (MANE Select); the canonical splice acceptor site of the intron before coding-DNA position 6175, A replaced by G.
Molecular consequence: splice acceptor variant.
Genome position (GRCh38, 1-based): chr2:96,275,351, T>C on the plus strand (A>G on the coding strand, the complement: SNRNP200 is on the minus strand). VCF-style: chr2-96275351-T-C. GRCh37 (hg19) VCF-style: chr2-96941089-T-C.
Identifiers: ClinVar variation 2713993 (VCV002713993.3), dbSNP rs2467307549, ClinGen allele CA347655738.